The following is an entry in ClinVar:

ClinVar aggregate classification (germline): Uncertain significance (1 of 4 stars; one submission).

Allele frequency attached by ClinVar (database versions not stated): ExAC 0.00001.

Submission:

Labcorp Genetics (formerly Invitae), Labcorp
Classification: Uncertain significance. Last evaluated: 2022-04-17. Review status: criteria provided, single submitter. Criteria: Invitae Variant Classification Sherloc (09022015). Collection method: clinical testing. Allele origin: germline.
Comment: In summary, the available evidence is currently insufficient to determine the role of this variant in disease. Therefore, it has been classified as a Variant of Uncertain Significance. Algorithms developed to predict the effect of missense changes on protein structure and function (SIFT, PolyPhen-2, Align-GVGD) all suggest that this variant is likely to be tolerated. This variant has not been reported in the literature in individuals affected with MYO5B-related conditions. This variant is present in population databases (rs761482043, gnomAD 0.003%). This sequence change replaces leucine, which is neutral and non-polar, with arginine, which is basic and polar, at codon 1249 of the MYO5B protein (p.Leu1249Arg).

NM_001080467.3(MYO5B):c.3746T>G (p.Leu1249Arg)

Gene: MYO5B (myosin VB; minus strand). Cytogenetic location: 18q21.1.
Variant type: single nucleotide variant.
Coding change: c.3746T>G on transcript NM_001080467.3 (MANE Select); coding-DNA position 3746, T replaced by G.
Protein change: p.Leu1249Arg; replaces leucine 1249 with arginine.
Molecular consequence: missense variant.
Genome position (GRCh38, 1-based): chr18:49,864,238, A>C on the plus strand (T>G on the coding strand, the complement: MYO5B is on the minus strand). VCF-style: chr18-49864238-A-C. GRCh37 (hg19) VCF-style: chr18-47390608-A-C.
Other names: short protein forms L1249R.
Identifiers: ClinVar variation 2123196 (VCV002123196.4), dbSNP rs761482043, ClinGen allele CA8960608.
Genomic context (GRCh38, chr18:49,864,238, plus strand): 5'-ACGATCTGGGTCCTGAGGATGAGCACCTCCTCCTTGCGCACCTCGAGCTCCTCGTGGGCC[A>C]GCTTGAGCTGGTTCAGCAGGAGGCTGTAGCTATCTGGGGAGCCGTGGCTGGAGTTATTCT-3'
Protein context (NP_001073936.1, residues 1239-1259): SYSLLLNQLK[Leu1249Arg]AHEELEVRKE